The following is an entry in ClinVar:

NM_012330.4(KAT6B):c.622-45408G>T

Genes: KAT6B (lysine acetyltransferase 6B; plus strand), LOC101929165 (uncharacterized LOC101929165; plus strand). Cytogenetic location: 10q22.2.
Variant type: single nucleotide variant.
Coding change: c.622-45408G>T on transcript NM_012330.4 (MANE Select); 45408 bases into the intron before coding-DNA position 622, G replaced by T.
Molecular consequence: intron variant.
Genome position (GRCh38, 1-based): chr10:74,914,562, G>T. VCF-style: chr10-74914562-G-T. GRCh37 (hg19) VCF-style: chr10-76674320-G-T.
Other names: c.622-45408G>T (NM_001370139.1, NM_001370136.1, NM_001370138.1 and 10 more transcripts); c.84-45408G>T (NM_001370134.1, NM_001370135.1).
Identifiers: ClinVar variation 3235836 (VCV003235836.1), dbSNP rs1847512916, ClinGen allele CA2825001705.

ClinVar aggregate classification (germline): Uncertain significance (1 of 4 stars; one submission).

Submission:

Greenwood Genetic Center Diagnostic Laboratories, Greenwood Genetic Center
Classification: Uncertain significance. Last evaluated: 2024-01-16. Review status: criteria provided, single submitter. Criteria: ACMG Guidelines, 2015. Collection method: clinical testing. Allele origin: germline. Affected: yes.
Comment: PS2, PM2, BP4